The following is an entry in ClinVar:

ClinVar aggregate classification (germline): Benign (1 of 4 stars; one submission).

Conditions:
Pseudohypoparathyroidism type 1B (PHP1B). Also called: PHP IB; Pseudohypoparathyroidism Ib (PHP-Ib); Pseudohypoparathyroidism Type IB. Identifiers: Orphanet 94089, MedGen C1864100, MONDO:0011301, OMIM 603233.

Allele frequency attached by ClinVar (database versions not stated): 1000 Genomes Project 0.00040; 1000 Genomes Project 30x 0.00047; TOPMed 0.00065; gnomAD 0.00098 and 0.00102.

Submission:

Illumina Laboratory Services, Illumina
Classification: Benign for Pseudohypoparathyroidism type 1B. Last evaluated: 2018-01-12. Review status: criteria provided, single submitter. Criteria: ICSL Variant Classification Criteria 13 December 2019. Collection method: clinical testing. Allele origin: germline.
Comment: This variant was observed in the ICSL laboratory as part of a predisposition screen in an ostensibly healthy population. It had not been previously curated by ICSL or reported in the Human Gene Mutation Database (HGMD: prior to June 1st, 2018), and was therefore a candidate for classification through an automated scoring system. Utilizing variant allele frequency, disease prevalence and penetrance estimates, and inheritance mode, an automated score was calculated to assess if this variant is too frequent to cause the disease. Based on the score and internal cut-off values, a variant classified as benign is not then subjected to further curation. The score for this variant resulted in a classification of benign for this disease.

NM_001001433.3(STX16):c.*1790A>T

Genes: STX16 (syntaxin 16; plus strand), STX16-NPEPL1 (STX16-NPEPL1 readthrough (NMD candidate); plus strand). Cytogenetic location: 20q13.32.
Variant type: single nucleotide variant.
Coding change: c.*1790A>T on transcript NM_001001433.3 (MANE Select); 1790 bases downstream of the stop codon, A replaced by T.
Molecular consequence: 3 prime UTR variant. On other transcripts: non-coding transcript variant (3).
Genome position (GRCh38, 1-based): chr20:58,678,081, A>T. VCF-style: chr20-58678081-A-T. GRCh37 (hg19) VCF-style: chr20-57253137-A-T.
Other names: c.*1790A>T (NM_001134772.3, NM_001134773.3, NM_001204868.2 and 1 more transcripts).
Identifiers: ClinVar variation 339082 (VCV000339082.5), dbSNP rs145827696, ClinGen allele CA10650075.